The following is an entry in ClinVar:

ClinVar aggregate classification (germline): Uncertain significance. Review status: criteria provided, multiple submitters, no conflicts (2 of 4 stars). 2 submissions from 2 submitters: Uncertain significance (2). Last evaluated 2025-06-23.

Conditions:
Glycogen storage disease, type V (GSD5). Also called: MCARDLE DISEASE; MUSCLE GLYCOGEN PHOSPHORYLASE DEFICIENCY; MYOPHOSPHORYLASE DEFICIENCY; PYGM DEFICIENCY; McArdle type glycogen storage disease. Identifiers: Orphanet 368, MedGen C0017924, MONDO:0009293, OMIM 232600.

Submissions (2):

Women's Health and Genetics/Laboratory Corporation of America, LabCorp
Classification: Uncertain significance. Last evaluated: 2025-06-23. Review status: criteria provided, single submitter. Criteria: LabCorp Variant Classification Summary - May 2015. Collection method: clinical testing. Allele origin: germline.
Comment: Variant summary: PYGM c.2477G>C (p.Trp826Ser) results in a non-conservative amino acid change in the encoded protein sequence. Algorithms developed to predict the effect of missense changes on protein structure and function all suggest that this variant is likely to be disruptive. The variant was absent in 251472 control chromosomes. The available data on variant occurrences in the general population are insufficient to allow any conclusion about variant significance. c.2477G>C has been observed in individual(s) affected with Glycogen Storage Disease, Type V (Bruno_2006). These report(s) do not provide unequivocal conclusions about association of the variant with Glycogen Storage Disease, Type V. To our knowledge, no experimental evidence demonstrating an impact on protein function has been reported. The following publication has been ascertained in the context of this evaluation (PMID: 16786513). No submitters have cited clinical-significance assessments for this variant to ClinVar. Based on the evidence outlined above, the variant was classified as uncertain significance.

Labcorp Genetics (formerly Invitae), Labcorp
Classification: Uncertain significance for Glycogen storage disease, type V. Last evaluated: 2025-04-07. Review status: criteria provided, single submitter. Criteria: Invitae Variant Classification Sherloc (09022015). Collection method: clinical testing. Allele origin: germline.
Comment: This sequence change replaces tryptophan, which is neutral and slightly polar, with serine, which is neutral and polar, at codon 826 of the PYGM protein (p.Trp826Ser). This variant is not present in population databases (gnomAD no frequency). This missense change has been observed in individual(s) with McArdle disease (PMID: 16786513). Invitae Evidence Modeling of protein sequence and biophysical properties (such as structural, functional, and spatial information, amino acid conservation, physicochemical variation, residue mobility, and thermodynamic stability) indicates that this missense variant is expected to disrupt PYGM protein function with a positive predictive value of 95%. In summary, the available evidence is currently insufficient to determine the role of this variant in disease. Therefore, it has been classified as a Variant of Uncertain Significance.

Literature cited by the submitters: PubMed 16786513 (cited by Women's Health and Genetics/Laboratory Corporation of America, LabCorp and Labcorp Genetics (formerly Invitae), Labcorp).

NM_005609.4(PYGM):c.2477G>C (p.Trp826Ser)

Gene: PYGM (glycogen phosphorylase, muscle associated; minus strand). Cytogenetic location: 11q13.1.
Variant type: single nucleotide variant.
Coding change: c.2477G>C on transcript NM_005609.4 (MANE Select); coding-DNA position 2477, G replaced by C.
Protein change: p.Trp826Ser; replaces tryptophan 826 with serine.
Molecular consequence: missense variant.
Genome position (GRCh38, 1-based): chr11:64,746,711, C>G on the plus strand (G>C on the coding strand, the complement: PYGM is on the minus strand). VCF-style: chr11-64746711-C-G. GRCh37 (hg19) VCF-style: chr11-64514183-C-G.
Other names: c.2213G>C, p.Trp738Ser (NM_001164716.1); short protein forms W738S, W826S.
Identifiers: ClinVar variation 3907565 (VCV003907565.2).